The following is an entry in ClinVar:

NM_000271.5(NPC1):c.2974G>T (p.Gly992Trp)

Gene: NPC1 (NPC intracellular cholesterol transporter 1; minus strand). Cytogenetic location: 18q11.2.
Variant type: single nucleotide variant.
Coding change: c.2974G>T on transcript NM_000271.5 (MANE Select); coding-DNA position 2974, G replaced by T.
Protein change: p.Gly992Trp; replaces glycine 992 with tryptophan.
Molecular consequence: missense variant.
Genome position (GRCh38, 1-based): chr18:23,538,609, C>A on the plus strand (G>T on the coding strand, the complement: NPC1 is on the minus strand). VCF-style: chr18-23538609-C-A. GRCh37 (hg19) VCF-style: chr18-21118573-C-A.
Other names: short protein forms G992W.
Identifiers: ClinVar variation 2960 (VCV000002960.35), dbSNP rs80358254, ClinGen allele CA115895.
Genomic context (GRCh38, chr18:23,538,609, plus strand): 5'-CACACTTGGGGTTAGGGTTATCCGAAAGGAACATGGGCAGGAATCTCATGAAGTCTCCCC[C>A]CTGAGGCCTCTGTTTGCCTTCCGGAGTCAGAGGCCTGCAGCGAACGCAGGCAGGGTCAAC-3'
Protein context (NP_000262.2, residues 982-1002): LTPEGKQRPQ[Gly992Trp]GDFMRFLPMF

ClinVar aggregate classification (germline): Conflicting classifications of pathogenicity. Review status: criteria provided, conflicting classifications (1 of 4 stars). 15 submissions from 15 submitters: Pathogenic (8); Likely pathogenic (1); Uncertain significance (1). 5 of the submissions do not count toward it. Last evaluated 2026-08-13.

Conditions:
NPC1-related disorder. Also called: NPC1-related condition.
Niemann-Pick disease, type C (NPC). Identifiers: Orphanet 646, MedGen C0220756, MONDO:0018982.
Niemann-Pick disease, type D. Also called: NIEMANN-PICK DISEASE, NOVA SCOTIAN TYPE; Nova Scotia (type D) form of Niemann-Pick disease; Nova Scotia Niemann-Pick disease (type D). Identifiers: MedGen C0268247.
Niemann-Pick disease, type C1. Also called: NIEMANN-PICK DISEASE, VARIANT TYPE C1; NEUROVISCERAL STORAGE DISEASE WITH VERTICAL SUPRANUCLEAR OPHTHALMOPLEGIA; NIEMANN-PICK DISEASE WITH CHOLESTEROL ESTERIFICATION BLOCK; NIEMANN-PICK DISEASE WITHOUT SPHINGOMYELINASE DEFICIENCY; NIEMANN-PICK DISEASE, CHRONIC NEURONOPATHIC FORM. Identifiers: Orphanet 646, MedGen C3179455, MONDO:0009757, OMIM 257220.

Allele frequency attached by ClinVar (database versions not stated): TOPMed 0.00002.
gnomAD v4.1: 31 of 1,614,068 alleles (0.0019%); highest among the groups gnomAD compares: East Asian, 0.0067%; no homozygotes.

Submissions (15):

PreventionGenetics, part of Exact Sciences
Classification: Pathogenic for NPC1-related condition. Last evaluated: 2026-08-13. Review status: criteria provided, single submitter. Criteria: ACMG Guidelines, 2015. Collection method: clinical testing. Allele origin: germline.
Comment: The NPC1 c.2974G>T variant is predicted to result in the amino acid substitution p.Gly992Trp. This variant has been reported in both the homozygous state and with an additional NPC1 variant in multiple individuals with Niemann-Pick disease type C (see for example: Greer et al.1998. PubMed ID: 9634529; Imrie et al. 2015. PubMed ID: 26666848; Dardis et al. 2020. PubMed ID: 32138288; Devaraj et al. 2022. PubMed ID: 36187872; Saneifard et al. 2024. PubMed ID: 39185019). This variant is reported in 0.0065% of alleles in individuals of South Asian descent in gnomAD. Alternate missense changes impacting the same amino acid (p.Gly992Arg and p.Gly992Ala) have been reported in individuals with Niemann-Pick disease type C, suggesting the p.Gly992 residue is important for NPC1 function (see for example: Sevin et al. 2007. PubMed ID: 17003072; Dardis et al. 2020. PubMed ID: 32138288). Taken together, the c.2974G>T (p.Gly992Trp) variant is interpreted as pathogenic.

Natera, Inc.
Classification: Pathogenic for Niemann-Pick disease type C1. Last evaluated: 2025-10-10. Review status: criteria provided, single submitter. Criteria: Natera Variant Classification Schema (03/2026). Collection method: clinical testing. Allele origin: germline.
Comment: The c.2974G>T variant in NPC1 is a missense variant predicted to cause substitution of glycine to tryptophan at amino acid 992. This variant is rare in the general population with a frequency below the threshold expected for the associated phenotype(s). This variant has been observed in one or more individuals affected with the associated recessive disease, as either homozygous or compound heterozygous with a second variant (PMID: 9634529, 17160617, 29197565, 22676771, 20718790). A different variant at the same position has been determined to be Pathogenic or Likely Pathogenic. Computational prediction algorithms indicate this variant is likely to affect gene or protein function. Given the available evidence, this variant is classified as Pathogenic.

Labcorp Genetics (formerly Invitae), Labcorp
Classification: Pathogenic for Niemann-Pick disease, type C1. Last evaluated: 2025-06-12. Review status: criteria provided, single submitter. Criteria: Invitae Variant Classification Sherloc (09022015). Collection method: clinical testing. Allele origin: germline.
Comment: This sequence change replaces glycine, which is neutral and non-polar, with tryptophan, which is neutral and slightly polar, at codon 992 of the NPC1 protein (p.Gly992Trp). This variant is present in population databases (rs80358254, gnomAD 0.003%). This missense change has been observed in individuals with Niemann-Pick disease type C (PMID: 9634529, 11545687, 16778374, 20718790, 26666848, 28222799). It has also been observed to segregate with disease in related individuals. ClinVar contains an entry for this variant (Variation ID: 2960). Invitae Evidence Modeling of protein sequence and biophysical properties (such as structural, functional, and spatial information, amino acid conservation, physicochemical variation, residue mobility, and thermodynamic stability) indicates that this missense variant is expected to disrupt NPC1 protein function with a positive predictive value of 95%. This variant disrupts the p.Gly992 amino acid residue in NPC1. Other variant(s) that disrupt this residue have been determined to be pathogenic (PMID: 11333381, 16126423, 26984608). This suggests that this residue is clinically significant, and that variants that disrupt this residue are likely to be disease-causing. For these reasons, this variant has been classified as Pathogenic.

3billion
Classification: Pathogenic for Niemann-Pick disease, type C1. Last evaluated: 2025-04-25. Review status: criteria provided, single submitter. Criteria: ACMG Guidelines, 2015. Collection method: clinical testing. Allele origin: germline. Affected: yes.

Women's Health and Genetics/Laboratory Corporation of America, LabCorp
Classification: Pathogenic for Niemann-Pick disease, type C. Last evaluated: 2024-10-04. Review status: criteria provided, single submitter. Criteria: LabCorp Variant Classification Summary - May 2015. Collection method: clinical testing. Allele origin: germline.
Comment: Variant summary: NPC1 c.2974G>T (p.Gly992Trp) results in a non-conservative amino acid change in the encoded protein sequence. Five of five in-silico tools predict a damaging effect of the variant on protein function. The variant allele was found at a frequency of 2e-05 in 251484 control chromosomes (gnomAD). c.2974G>T has been reported in the literature in multiple individuals affected with Niemann-Pick Disease Type C (e.g. Greer_1998). These data indicate that the variant is very likely to be associated with disease. A different variant affecting the same codon has been classified as pathogenic by our lab (c.2974G>C, p.Gly992Arg), supporting the critical relevance of codon 992 to NPC1 protein function. The following publication has been ascertained in the context of this evaluation (PMID: 9634529). ClinVar contains an entry for this variant (Variation ID: 2960). Based on the evidence outlined above, the variant was classified as pathogenic.

Foundation for Research in Genetics and Endocrinology, FRIGE's Institute of Human Genetics
Classification: Pathogenic for Niemann-Pick disease, type C1. Last evaluated: 2024-08-23. Review status: criteria provided, single submitter. Criteria: ACMG Guidelines, 2015. Collection method: clinical testing. Allele origin: germline. Inheritance: Autosomal recessive inheritance. Affected: yes. Observed: 1 compound heterozygote.
Comment: A heterozygous missense variant in exon 20 of the NPC1 gene that results in the amino acid substitution of Tryptophan for GLycine at codon 992 was detected. The observed variant c.2974G>T (p.Gly992Trp) has not been reported in the 1000 genomes and has a minor allele frequency of 0.002% in the gnomAD databases. The in-silico prediction of the variant are possibly damaging by MutationTaster2, DANN and FATHMM. The variant has been previously reported in patient with NPC1 (PMID: 31506030). In summary, the variant meets our criteria to be classified as pathogenic.

Blueprint Genetics
Classification: Pathogenic for NPC1-related disorders. Last evaluated: 2023-05-23. Review status: criteria provided, single submitter. Criteria: ACMG Guidelines, 2015. Collection method: clinical testing. Allele origin: germline. Affected: yes. Observed: 4 variant alleles.

GeneDx
Classification: Pathogenic. Last evaluated: 2022-10-10. Review status: criteria provided, single submitter. Criteria: GeneDx Variant Classification Process June 2021. Collection method: clinical testing. Allele origin: germline. Affected: yes.
Comment: In silico analysis supports that this missense variant has a deleterious effect on protein structure/function; Not observed at significant frequency in large population cohorts (gnomAD); This variant is associated with the following publications: (PMID: 12955717, 11479732, 16778374, 12401890, 10521290, 11545687, 20718790, 9634529, 16126423, 24001525, 26666848, 29961769, 9245994, 31497485, 32222928, 20301473, 32138288, 34535129)

Revvity Omics, Revvity
Classification: Likely pathogenic for Niemann-Pick disease, type C1. Last evaluated: 2022-03-15. Review status: criteria provided, single submitter. Criteria: ACMG Guidelines, 2015. Collection method: clinical testing. Allele origin: germline.

Eurofins Ntd Llc (ga)
Classification: Uncertain significance. Last evaluated: 2016-10-25. Review status: criteria provided, single submitter. Criteria: EGL Classification Definitions 2015. Collection method: clinical testing. Allele origin: germline. Observed: 3 variant alleles, 2 heterozygotes.

Hereditary Research Laboratory, Bethlehem University
Classification: Likely pathogenic for Niemann-Pick disease, type C1. Last evaluated: 2021-06-02. Review status: no assertion criteria provided. Collection method: clinical testing. Allele origin: inherited. Inheritance: Autosomal recessive inheritance. Affected: yes. Observed: 1 variant allele, 1 homozygote. Not counted in ClinVar's aggregate classification.

SingHealth Duke-NUS Institute of Precision Medicine
Classification: Likely pathogenic for Niemann-Pick disease, type C1. Last evaluated: 2017-06-07. Review status: no assertion criteria provided. Collection method: curation. Allele origin: germline. Affected: no. Not counted in ClinVar's aggregate classification.

Counsyl
Classification: Pathogenic for Niemann-Pick disease type C1. Last evaluated: 2014-08-07. Review status: no assertion criteria provided. Collection method: literature only. Allele origin: unknown. Inheritance: Autosomal recessive inheritance. Not counted in ClinVar's aggregate classification.

OMIM
Classification: Pathogenic for NIEMANN-PICK DISEASE, TYPE D. Last evaluated: 1998-07-01. Review status: no assertion criteria provided. Collection method: literature only. Allele origin: germline. Not counted in ClinVar's aggregate classification.

GeneReviews
No classification provided. Condition: Niemann-Pick disease, type C1. Review status: no classification provided. Collection method: literature only. Allele origin: unknown. Not counted in ClinVar's aggregate classification.

Literature cited by the submitters: PubMed 9634529 (cited by 7 submitters); PubMed 17160617 (cited by Natera, Inc.); PubMed 29197565 (cited by Natera, Inc.); PubMed 22676771 (cited by Natera, Inc.); PubMed 20718790 (cited by 3 submitters); PubMed 11545687 (cited by 3 submitters); PubMed 16778374 (cited by Labcorp Genetics (formerly Invitae), Labcorp and Counsyl); PubMed 26666848 (cited by Labcorp Genetics (formerly Invitae), Labcorp); PubMed 28222799 (cited by Labcorp Genetics (formerly Invitae), Labcorp); PubMed 11333381 (cited by Labcorp Genetics (formerly Invitae), Labcorp and 3billion); PubMed 16126423 (cited by Labcorp Genetics (formerly Invitae), Labcorp and Counsyl); PubMed 26984608 (cited by Labcorp Genetics (formerly Invitae), Labcorp); PubMed 12401890 (cited by Hereditary Research Laboratory, Bethlehem University and Counsyl); PubMed 9245994 (cited by OMIM and GeneReviews); PubMed 20301473 (cited by GeneReviews); NCBI Bookshelf NBK1296 (cited by GeneReviews).